The following is an entry in ClinVar:

ClinVar aggregate classification (germline): Uncertain significance (1 of 4 stars; one submission).

Conditions:
Aortic valve disease 2 (AOVD2). Identifiers: MedGen C3542024, MONDO:0013902, OMIM 614823.

Submission:

Labcorp Genetics (formerly Invitae), Labcorp
Classification: Uncertain significance for Aortic valve disease 2. Last evaluated: 2022-09-15. Review status: criteria provided, single submitter. Criteria: Invitae Variant Classification Sherloc (09022015). Collection method: clinical testing. Allele origin: germline.
Comment: This sequence change replaces valine, which is neutral and non-polar, with methionine, which is neutral and non-polar, at codon 107 of the SMAD6 protein (p.Val107Met). This variant is not present in population databases (gnomAD no frequency). This variant has not been reported in the literature in individuals affected with SMAD6-related conditions. Algorithms developed to predict the effect of missense changes on protein structure and function (SIFT, PolyPhen-2, Align-GVGD) all suggest that this variant is likely to be tolerated. In summary, the available evidence is currently insufficient to determine the role of this variant in disease. Therefore, it has been classified as a Variant of Uncertain Significance.

NM_005585.5(SMAD6):c.319G>A (p.Val107Met)

Gene: SMAD6 (SMAD family member 6; plus strand). Cytogenetic location: 15q22.31.
Variant type: single nucleotide variant.
Coding change: c.319G>A on transcript NM_005585.5 (MANE Select); coding-DNA position 319, G replaced by A.
Protein change: p.Val107Met; replaces valine 107 with methionine.
Molecular consequence: missense variant. On other transcripts: non-coding transcript variant (1).
Genome position (GRCh38, 1-based): chr15:66,703,577, G>A. VCF-style: chr15-66703577-G-A. GRCh37 (hg19) VCF-style: chr15-66995915-G-A.
Other names: short protein forms V107M.
Identifiers: ClinVar variation 1719541 (VCV001719541.5), dbSNP rs2545311355, ClinGen allele CA392949283.